The following is an entry in ClinVar:

NM_138694.4(PKHD1):c.881-1G>A

Gene: PKHD1 (PKHD1 ciliary IPT domain containing fibrocystin/polyductin; minus strand). Cytogenetic location: 6p12.2.
Variant type: single nucleotide variant.
Coding change: c.881-1G>A on transcript NM_138694.4 (MANE Select); the canonical splice acceptor site of the intron before coding-DNA position 881, G replaced by A.
Molecular consequence: splice acceptor variant.
Genome position (GRCh38, 1-based): chr6:52,065,051, C>T on the plus strand (G>A on the coding strand, the complement: PKHD1 is on the minus strand). VCF-style: chr6-52065051-C-T. GRCh37 (hg19) VCF-style: chr6-51929849-C-T.
Other names: c.881-1G>A (NM_170724.3).
Identifiers: ClinVar variation 499351 (VCV000499351.19), dbSNP rs1554220431, ClinGen allele CA364429821.

ClinVar aggregate classification (germline): Pathogenic/Likely pathogenic. Review status: criteria provided, multiple submitters, no conflicts (2 of 4 stars). 8 submissions from 8 submitters: Pathogenic (3); Likely pathogenic (4). 1 of the submissions does not count toward it. Last evaluated 2025-12-29.

Conditions:
Polycystic kidney disease 4 (PKD4). Also called: Autosomal Recessive Polycystic Kidney Disease – PKHD1; PKD3; POLYCYSTIC KIDNEY AND HEPATIC DISEASE 1; POLYCYSTIC KIDNEY DISEASE, INFANTILE, TYPE I; POLYCYSTIC KIDNEY DISEASE 4 WITH OR WITHOUT POLYCYSTIC LIVER DISEASE. Identifiers: MedGen C4540575, MONDO:0033004, OMIM 263200.
Autosomal recessive polycystic kidney disease (ARPKD). Also called: AR polycystic kidney disease. Identifiers: Orphanet 731, Orphanet 8378, MedGen C0085548, MeSH D017044, MONDO:0009889.

Allele frequency attached by ClinVar (database versions not stated): gnomAD exomes below 0.00001; TOPMed below 0.00001; gnomAD 0.00001.
gnomAD v4.1: 3 of 1,563,094 alleles (0.00019%); highest among the groups gnomAD compares: African/African-American, 0.0029%; no homozygotes.

Submissions (8):

GeneDx
Classification: Likely pathogenic. Last evaluated: 2025-12-29. Review status: criteria provided, single submitter. Criteria: GeneDx Variant Classification Process June 2021. Collection method: clinical testing. Allele origin: germline. Affected: yes.
Comment: Canonical splice site variant predicted to result in an in-frame loss of the adjacent exon in a gene for which loss of function is a known mechanism of disease; Not observed at significant frequency in large population cohorts (gnomAD); This variant is associated with the following publications: (PMID: 25525159, 15805161)

Natera, Inc.
Classification: Likely pathogenic for Autosomal recessive polycystic kidney disease. Last evaluated: 2025-04-23. Review status: criteria provided, single submitter. Criteria: Natera Variant Classification Schema (03/2026). Collection method: clinical testing. Allele origin: germline.
Comment: The c.881-1G>A variant in PKHD1 is a canonical splice acceptor site variant predicted to affect pre-mRNA splicing, which may result in an abnormal transcript and altered protein product. This variant is expected to result in nonsense mediated decay, truncation, or a dysfunctional protein product. This variant is rare in the general population with a frequency below the threshold expected for the associated phenotype(s). This variant has been observed in one or more individuals affected with the associated recessive disease, as either homozygous or compound heterozygous with a second variant (PMID: 15805161). Given the available evidence, this variant is classified as Likely Pathogenic.

Fulgent Genetics
Classification: Likely pathogenic for Polycystic kidney disease 4. Last evaluated: 2024-05-23. Review status: criteria provided, single submitter. Criteria: ACMG Guidelines, 2015. Collection method: clinical testing. Allele origin: germline.

Baylor Genetics
Classification: Pathogenic for Polycystic kidney disease 4. Last evaluated: 2023-06-26. Review status: criteria provided, single submitter. Criteria: ACMG Guidelines, 2015. Collection method: clinical testing. Allele origin: unknown.

Labcorp Genetics (formerly Invitae), Labcorp
Classification: Likely pathogenic for Autosomal recessive polycystic kidney disease. Last evaluated: 2023-01-20. Review status: criteria provided, single submitter. Criteria: Invitae Variant Classification Sherloc (09022015). Collection method: clinical testing. Allele origin: germline.
Comment: ClinVar contains an entry for this variant (Variation ID: 499351). Disruption of this splice site has been observed in individual(s) with polycystic kidney disease (PMID: 15805161). This variant is not present in population databases (gnomAD no frequency). This sequence change affects an acceptor splice site in intron 12 of the PKHD1 gene. It is expected to disrupt RNA splicing. Variants that disrupt the donor or acceptor splice site typically lead to a loss of protein function (PMID: 16199547), and loss-of-function variants in PKHD1 are known to be pathogenic (PMID: 19940839). Algorithms developed to predict the effect of sequence changes on RNA splicing suggest that this variant may disrupt the consensus splice site. In summary, the currently available evidence indicates that the variant is pathogenic, but additional data are needed to prove that conclusively. Therefore, this variant has been classified as Likely Pathogenic.

Genome-Nilou Lab
Classification: Pathogenic for Polycystic kidney disease 4. Last evaluated: 2021-07-22. Review status: criteria provided, single submitter. Criteria: ACMG Guidelines, 2015. Collection method: clinical testing. Allele origin: germline. Affected: no.

Eurofins Ntd Llc (ga)
Classification: Pathogenic. Last evaluated: 2016-12-20. Review status: criteria provided, single submitter. Criteria: EGL Classification Definitions 2015. Collection method: clinical testing. Allele origin: germline. Observed: 1 variant allele, 1 heterozygote.

Counsyl
Classification: Likely pathogenic for Polycystic kidney disease 4. Last evaluated: 2017-05-02. Review status: no assertion criteria provided. Collection method: clinical testing. Allele origin: unknown. Not counted in ClinVar's aggregate classification.

Literature cited by the submitters: PubMed 15805161 (cited by 3 submitters); PubMed 16199547 (cited by Labcorp Genetics (formerly Invitae), Labcorp); PubMed 19940839 (cited by Labcorp Genetics (formerly Invitae), Labcorp).